The following is an entry in ClinVar:

NM_014727.3(KMT2B):c.118G>A (p.Ala40Thr)

Gene: KMT2B (lysine methyltransferase 2B; plus strand). Cytogenetic location: 19q13.12.
Variant type: single nucleotide variant.
Coding change: c.118G>A on transcript NM_014727.3 (MANE Select); coding-DNA position 118, G replaced by A.
Protein change: p.Ala40Thr; replaces alanine 40 with threonine.
Molecular consequence: missense variant.
Genome position (GRCh38, 1-based): chr19:35,718,136, G>A. VCF-style: chr19-35718136-G-A. GRCh37 (hg19) VCF-style: chr19-36209038-G-A.
Other names: c.118G>A (NM_014727.1, NM_014727.2); short protein forms A40T.
Identifiers: ClinVar variation 1366750 (VCV001366750.9), dbSNP rs992191926, ClinGen allele CA307779911.

ClinVar aggregate classification (germline): Uncertain significance. Review status: criteria provided, multiple submitters, no conflicts (2 of 4 stars). 4 submissions from 4 submitters: Uncertain significance (4). Last evaluated 2026-01-11.

Conditions:
Inborn genetic diseases. Identifiers: MedGen C0950123, MeSH D030342.

Allele frequency attached by ClinVar (database versions not stated): gnomAD exomes 0.00002; gnomAD 0.00004 and 0.00006; TOPMed 0.00007; 1000 Genomes Project 30x 0.00016.
gnomAD v4.1: 21 of 1,035,004 alleles (0.002%); highest among the groups gnomAD compares: Admixed American, 0.046%; no homozygotes.

Submissions (4):

Labcorp Genetics (formerly Invitae), Labcorp
Classification: Uncertain significance. Last evaluated: 2026-01-11. Review status: criteria provided, single submitter. Criteria: Invitae Variant Classification Sherloc (09022015). Collection method: clinical testing. Allele origin: germline.
Comment: This sequence change replaces alanine, which is neutral and non-polar, with threonine, which is neutral and polar, at codon 40 of the KMT2B protein (p.Ala40Thr). The frequency data for this variant in the population databases is considered unreliable, as metrics indicate insufficient coverage at this position in the gnomAD database. This missense change has been observed in individual(s) with dystonia (internal data). ClinVar contains an entry for this variant (Variation ID: 1366750). Invitae Evidence Modeling of protein sequence and biophysical properties (such as structural, functional, and spatial information, amino acid conservation, physicochemical variation, residue mobility, and thermodynamic stability) indicates that this missense variant is not expected to disrupt KMT2B protein function with a negative predictive value of 80%. In summary, the available evidence is currently insufficient to determine the role of this variant in disease. Therefore, it has been classified as a Variant of Uncertain Significance.

Ambry Genetics
Classification: Uncertain significance for Inborn genetic diseases. Last evaluated: 2024-08-12. Review status: criteria provided, single submitter. Criteria: Ambry Variant Classification Scheme 2023. Collection method: clinical testing. Allele origin: germline.

Revvity Omics, Revvity
Classification: Uncertain significance. Last evaluated: 2024-05-02. Review status: criteria provided, single submitter. Criteria: ACMG Guidelines, 2015. Collection method: clinical testing. Allele origin: germline.

ARUP Laboratories, Molecular Genetics and Genomics, ARUP Laboratories
Classification: Uncertain significance. Last evaluated: 2023-08-07. Review status: criteria provided, single submitter. Criteria: ARUP Molecular Germline Variant Investigation Process 2024. Collection method: clinical testing. Allele origin: germline.